The following is an entry in ClinVar:

ClinVar aggregate classification (germline): Uncertain significance (1 of 4 stars; one submission).

gnomAD v4.1: 5 of 1,614,126 alleles (0.00031%); highest among the groups gnomAD compares: Non-Finnish European, 0.00042%; no homozygotes.

Submission:

Labcorp Genetics (formerly Invitae), Labcorp
Classification: Uncertain significance. Last evaluated: 2021-07-31. Review status: criteria provided, single submitter. Criteria: Invitae Variant Classification Sherloc (09022015). Collection method: clinical testing. Allele origin: germline.
Comment: This sequence change replaces leucine with glutamine at codon 1441 of the ABCA12 protein (p.Leu1441Gln). The leucine residue is highly conserved and there is a moderate physicochemical difference between leucine and glutamine. This variant is not present in population databases (ExAC no frequency). This missense change has been observed in individual(s) with ABCA12-related conditions (Invitae). In summary, the available evidence is currently insufficient to determine the role of this variant in disease. Therefore, it has been classified as a Variant of Uncertain Significance. Advanced modeling of protein sequence and biophysical properties (such as structural, functional, and spatial information, amino acid conservation, physicochemical variation, residue mobility, and thermodynamic stability) performed at Invitae indicates that this missense variant is expected to disrupt ABCA12 protein function.

NM_173076.3(ABCA12):c.4322T>A (p.Leu1441Gln)

Gene: ABCA12 (ATP binding cassette subfamily A member 12; minus strand). Cytogenetic location: 2q35.
Variant type: single nucleotide variant.
Coding change: c.4322T>A on transcript NM_173076.3 (MANE Select); coding-DNA position 4322, T replaced by A.
Protein change: p.Leu1441Gln; replaces leucine 1441 with glutamine.
Molecular consequence: missense variant. On other transcripts: non-coding transcript variant (1).
Genome position (GRCh38, 1-based): chr2:214,983,707, A>T on the plus strand (T>A on the coding strand, the complement: ABCA12 is on the minus strand). VCF-style: chr2-214983707-A-T. GRCh37 (hg19) VCF-style: chr2-215848431-A-T.
Other names: c.3368T>A, p.Leu1123Gln (NM_015657.4); short protein forms L1123Q, L1441Q.
Identifiers: ClinVar variation 1371377 (VCV001371377.6), dbSNP rs2105968265, ClinGen allele CA350462547.